The following is an entry in ClinVar:

NM_005228.5(EGFR):c.2867A>G (p.Asp956Gly)

Gene: EGFR (epidermal growth factor receptor; plus strand). Cytogenetic location: 7p11.2.
Variant type: single nucleotide variant.
Coding change: c.2867A>G on transcript NM_005228.5 (MANE Select); coding-DNA position 2867, A replaced by G.
Protein change: p.Asp956Gly; replaces aspartic acid 956 with glycine.
Molecular consequence: missense variant.
Genome position (GRCh38, 1-based): chr7:55,200,334, A>G. VCF-style: chr7-55200334-A-G. GRCh37 (hg19) VCF-style: chr7-55268027-A-G.
Other names: c.2732A>G, p.Asp911Gly (NM_001346897.2, NM_001346899.2); c.2867A>G, p.Asp956Gly (NM_001346898.2); c.2708A>G, p.Asp903Gly (NM_001346900.2); c.2066A>G, p.Asp689Gly (NM_001346941.2); short protein forms D689G, D903G, D911G, D956G.
Identifiers: ClinVar variation 963104 (VCV000963104.10), dbSNP rs1185470008, ClinGen allele CA367581743.

ClinVar aggregate classification (germline): Uncertain significance. Review status: criteria provided, multiple submitters, no conflicts (2 of 4 stars). 2 submissions from 2 submitters: Uncertain significance (2). Last evaluated 2026-04-28.

Conditions:
EGFR-related lung cancer (EGFR). Identifiers: MedGen CN130014.
Hereditary cancer-predisposing syndrome. Also called: Hereditary Cancer Syndrome; Neoplastic Syndromes, Hereditary; Tumor predisposition; Hereditary neoplastic syndrome. Identifiers: Orphanet 140162, MedGen C0027672, MeSH D009386, MONDO:0015356.

Submissions (2):

Ambry Genetics
Classification: Uncertain significance for Hereditary cancer-predisposing syndrome. Last evaluated: 2026-04-28. Review status: criteria provided, single submitter. Criteria: Ambry Variant Classification Scheme 2023. Collection method: clinical testing. Allele origin: germline.
Comment: The p.D956G variant (also known as c.2867A>G), located in coding exon 24 of the EGFR gene, results from an A to G substitution at nucleotide position 2867. The aspartic acid at codon 956 is replaced by glycine, an amino acid with similar properties. This amino acid position is well conserved in available vertebrate species. In addition, the in silico prediction for this alteration is inconclusive. Based on the available evidence, the clinical significance of this variant remains unclear.

Labcorp Genetics (formerly Invitae), Labcorp
Classification: Uncertain significance for EGFR-related lung cancer. Last evaluated: 2023-07-17. Review status: criteria provided, single submitter. Criteria: Invitae Variant Classification Sherloc (09022015). Collection method: clinical testing. Allele origin: germline.
Comment: In summary, the available evidence is currently insufficient to determine the role of this variant in disease. Therefore, it has been classified as a Variant of Uncertain Significance. Advanced modeling of protein sequence and biophysical properties (such as structural, functional, and spatial information, amino acid conservation, physicochemical variation, residue mobility, and thermodynamic stability) performed at Invitae indicates that this missense variant is not expected to disrupt EGFR protein function. ClinVar contains an entry for this variant (Variation ID: 963104). This variant has not been reported in the literature in individuals affected with EGFR-related conditions. This variant is not present in population databases (gnomAD no frequency). This sequence change replaces aspartic acid, which is acidic and polar, with glycine, which is neutral and non-polar, at codon 956 of the EGFR protein (p.Asp956Gly).